The following is an entry in ClinVar:

NM_199242.3(UNC13D):c.1728-2A>C

Gene: UNC13D (unc-13 homolog D; minus strand). Cytogenetic location: 17q25.1.
Variant type: single nucleotide variant.
Coding change: c.1728-2A>C on transcript NM_199242.3 (MANE Select); the canonical splice acceptor site of the intron before coding-DNA position 1728, A replaced by C.
Molecular consequence: splice acceptor variant.
Genome position (GRCh38, 1-based): chr17:75,835,531, T>G on the plus strand (A>C on the coding strand, the complement: UNC13D is on the minus strand). VCF-style: chr17-75835531-T-G. GRCh37 (hg19) VCF-style: chr17-73831612-T-G.
Identifiers: ClinVar variation 2845172 (VCV002845172.3), dbSNP rs1160623744, ClinGen allele CA401093296.
Genomic context (GRCh38, chr17:75,835,531, plus strand): 5'-AGGAGGGGATGGCCGGCTGGAACCAGCGGTGGAAATTATCCAGGGCCAGGACTCCATCCC[T>G]GGGGATTGCCGGGGCTCAGCGTCGGGAAGGCTGGGGCCACCATGGACCCTGGGGCCTCGT-3'

ClinVar aggregate classification (germline): Likely pathogenic (1 of 4 stars; one submission).

Conditions:
Familial hemophagocytic lymphohistiocytosis 3 (FHL3). Also called: UNC13D-Related Familial Hemophagocytic Lymphohistiocytosis (UNC13D-fHLH). Identifiers: Orphanet 540, MedGen C1837174, MONDO:0012146, OMIM 608898.

Submission:

Labcorp Genetics (formerly Invitae), Labcorp
Classification: Likely pathogenic for Familial hemophagocytic lymphohistiocytosis 3. Last evaluated: 2023-11-28. Review status: criteria provided, single submitter. Criteria: Invitae Variant Classification Sherloc (09022015). Collection method: clinical testing. Allele origin: germline.
Comment: This sequence change affects an acceptor splice site in intron 19 of the UNC13D gene. It is expected to disrupt RNA splicing. Variants that disrupt the donor or acceptor splice site typically lead to a loss of protein function (PMID: 16199547), and loss-of-function variants in UNC13D are known to be pathogenic (PMID: 14622600). This variant is not present in population databases (gnomAD no frequency). This variant has not been reported in the literature in individuals affected with UNC13D-related conditions. Algorithms developed to predict the effect of sequence changes on RNA splicing suggest that this variant may disrupt the consensus splice site. In summary, the currently available evidence indicates that the variant is pathogenic, but additional data are needed to prove that conclusively. Therefore, this variant has been classified as Likely Pathogenic.

Literature cited by the submitters: PubMed 16199547; PubMed 14622600.